The following is an entry in ClinVar:

ClinVar aggregate classification (germline): Uncertain significance (1 of 4 stars; one submission).

Conditions:
Hereditary cancer-predisposing syndrome. Also called: Neoplastic Syndromes, Hereditary; Tumor predisposition; Hereditary Cancer Syndrome; Hereditary neoplastic syndrome. Identifiers: Orphanet 140162, MedGen C0027672, MeSH D009386, MONDO:0015356.

Submission:

Ambry Genetics
Classification: Uncertain significance for Hereditary cancer-predisposing syndrome. Last evaluated: 2021-07-04. Review status: criteria provided, single submitter. Criteria: Ambry Variant Classification Scheme 2023. Collection method: clinical testing. Allele origin: germline.
Comment: The p.Y731H variant (also known as c.2191T>C), located in coding exon 20 of the POLE gene, results from a T to C substitution at nucleotide position 2191. The tyrosine at codon 731 is replaced by histidine, an amino acid with similar properties. This amino acid position is conserved. In addition, the in silico prediction for this alteration is inconclusive. Since supporting evidence is limited at this time, the clinical significance of this alteration remains unclear.

NM_006231.4(POLE):c.2191T>C (p.Tyr731His)

Gene: POLE (DNA polymerase epsilon, catalytic subunit; minus strand). Cytogenetic location: 12q24.33.
Variant type: single nucleotide variant.
Coding change: c.2191T>C on transcript NM_006231.4 (MANE Select); coding-DNA position 2191, T replaced by C.
Protein change: p.Tyr731His; replaces tyrosine 731 with histidine.
Molecular consequence: missense variant.
Genome position (GRCh38, 1-based): chr12:132,667,631, A>G on the plus strand (T>C on the coding strand, the complement: POLE is on the minus strand). VCF-style: chr12-132667631-A-G. GRCh37 (hg19) VCF-style: chr12-133244217-A-G.
Other names: short protein forms Y731H.
Identifiers: ClinVar variation 1787431 (VCV001787431.2), dbSNP rs2135971045, ClinGen allele CA387352337.
Genomic context (GRCh38, chr12:132,667,631, plus strand): 5'-TTTCCCGCTGGCAGATGGTGGTGAGACGCTCTTCCACCTTGGTGATGTGGATCTTCTTGT[A>G]GGCTTTCCGGCAGTAATCTAAGCACGACGGAGATGGGCAGAGCAGGTGGGTGAGATCTCC-3'
Protein context (NP_006222.2, residues 721-741): RRLADYCRKA[Tyr731His]KKIHITKVEE